The following is an entry in ClinVar:

NM_173598.6(KSR2):c.1751C>T (p.Thr584Met)

Gene: KSR2 (kinase suppressor of ras 2; minus strand). Cytogenetic location: 12q24.22.
Variant type: single nucleotide variant.
Coding change: c.1751C>T on transcript NM_173598.6 (MANE Select); coding-DNA position 1751, C replaced by T.
Protein change: p.Thr584Met; replaces threonine 584 with methionine.
Molecular consequence: missense variant.
Genome position (GRCh38, 1-based): chr12:117,530,992, G>A on the plus strand (C>T on the coding strand, the complement: KSR2 is on the minus strand). VCF-style: chr12-117530992-G-A. GRCh37 (hg19) VCF-style: chr12-117968797-G-A.
Other names: short protein forms T584M.
Identifiers: ClinVar variation 3289787 (VCV003289787.2).

ClinVar aggregate classification (germline): Uncertain significance. Review status: criteria provided, multiple submitters, no conflicts (2 of 4 stars). 2 submissions from 2 submitters: Uncertain significance (2). Last evaluated 2026-07-29.

Conditions:
KSR2-related disorder. Also called: KSR2-related condition.

gnomAD v4.1: 35 of 1,613,408 alleles (0.0022%); highest among the groups gnomAD compares: African/African-American, 0.0053%; no homozygotes.

Submissions (2):

PreventionGenetics, part of Exact Sciences
Classification: Uncertain significance for KSR2-related condition. Last evaluated: 2026-07-29. Review status: criteria provided, single submitter. Criteria: ACMG Guidelines, 2015. Collection method: clinical testing. Allele origin: germline.
Comment: The KSR2 c.1664C>T variant is predicted to result in the amino acid substitution p.Thr555Met. To our knowledge, this variant has not been reported in the literature. This variant is reported in 0.0033% of alleles in individuals of South Asian descent in gnomAD. At this time, the clinical significance of this variant is uncertain due to the absence of conclusive functional and genetic evidence.

Ambry Genetics
Classification: Uncertain significance. Last evaluated: 2024-04-26. Review status: criteria provided, single submitter. Criteria: Ambry Variant Classification Scheme 2023. Collection method: clinical testing. Allele origin: germline.